The following is an entry in ClinVar:

NM_020639.3(RIPK4):c.1996A>G (p.Met666Val)

Gene: RIPK4 (receptor interacting serine/threonine kinase 4; minus strand). Cytogenetic location: 21q22.3.
Variant type: single nucleotide variant.
Coding change: c.1996A>G on transcript NM_020639.3 (MANE Select); coding-DNA position 1996, A replaced by G.
Protein change: p.Met666Val; replaces methionine 666 with valine.
Molecular consequence: missense variant.
Genome position (GRCh38, 1-based): chr21:41,741,197, T>C on the plus strand (A>G on the coding strand, the complement: RIPK4 is on the minus strand). VCF-style: chr21-41741197-T-C. GRCh37 (hg19) VCF-style: chr21-43161357-T-C.
Other names: short protein forms M666V.
Identifiers: ClinVar variation 261350 (VCV000261350.11), dbSNP rs3746891, ClinGen allele CA10035162.

ClinVar aggregate classification (germline): Benign. Review status: criteria provided, multiple submitters, no conflicts (2 of 4 stars). 5 submissions from 5 submitters: Benign (5). Last evaluated 2021-11-07.

Conditions:
Bartsocas-Papas syndrome 1. Also called: MULTIPLE PTERYGIUM SYNDROME, ASLAN TYPE; Bartsocas-Papas syndrome; PTERYGIUM, POPLITEAL, LETHAL TYPE. Identifiers: Orphanet 1234, MedGen C1849718, MONDO:0009901, OMIM 263650.

Allele frequency attached by ClinVar (database versions not stated): 1000 Genomes Project 0.95687; ExAC 0.96519; gnomAD exomes 0.96656 and 0.96771; TOPMed 0.98080; gnomAD 0.98229 and 0.97818; 1000 Genomes Project 30x 0.95862; ESP Exome Variant Server 0.98016.
gnomAD v4.1: 1,559,666 of 1,610,228 alleles (97%); highest among the groups gnomAD compares: African/African-American, 100%; 755,817 homozygotes.

Submissions (5):

Genome-Nilou Lab
Classification: Benign for Bartsocas-Papas syndrome 1. Last evaluated: 2021-11-07. Review status: criteria provided, single submitter. Criteria: ACMG Guidelines, 2015. Collection method: clinical testing. Allele origin: germline. Affected: no.

GeneDx
Classification: Benign. Last evaluated: 2018-11-12. Review status: criteria provided, single submitter. Criteria: GeneDx Variant Classification Process June 2021. Collection method: clinical testing. Allele origin: germline. Affected: yes.

Illumina Laboratory Services, Illumina
Classification: Benign for Bartsocas-Papas syndrome 1. Last evaluated: 2018-01-13. Review status: criteria provided, single submitter. Criteria: ICSL Variant Classification Criteria 13 December 2019. Collection method: clinical testing. Allele origin: germline.
Comment: This variant was observed in the ICSL laboratory as part of a predisposition screen in an ostensibly healthy population. It had not been previously curated by ICSL or reported in the Human Gene Mutation Database (HGMD: prior to June 1st, 2018), and was therefore a candidate for classification through an automated scoring system. Utilizing variant allele frequency, disease prevalence and penetrance estimates, and inheritance mode, an automated score was calculated to assess if this variant is too frequent to cause the disease. Based on the score and internal cut-off values, a variant classified as benign is not then subjected to further curation. The score for this variant resulted in a classification of benign for this disease.

Breakthrough Genomics
Classification: Benign. Review status: criteria provided, single submitter. Criteria: ACMG Guidelines, 2015. Collection method: not provided. Allele origin: germline. Inheritance: Autosomal recessive inheritance. Affected: yes.

PreventionGenetics, part of Exact Sciences
Classification: Benign. Review status: criteria provided, single submitter. Criteria: ACMG Guidelines, 2015. Collection method: clinical testing. Allele origin: germline.